The following is an entry in ClinVar:

NM_002465.4(MYBPC1):c.927A>T (p.Lys309Asn)

Gene: MYBPC1 (myosin binding protein C1; plus strand). Cytogenetic location: 12q23.2.
Variant type: single nucleotide variant.
Coding change: c.927A>T on transcript NM_002465.4 (MANE Select); coding-DNA position 927, A replaced by T.
Protein change: p.Lys309Asn; replaces lysine 309 with asparagine.
Molecular consequence: missense variant.
Genome position (GRCh38, 1-based): chr12:101,644,758, A>T. VCF-style: chr12-101644758-A-T. GRCh37 (hg19) VCF-style: chr12-102038536-A-T.
Other names: c.816A>T, p.Lys272Asn (NM_001254720.3); c.795A>T, p.Lys265Asn (NM_001254721.3, NM_001404676.1, NM_001404678.1); c.774A>T, p.Lys258Asn (NM_001254722.3, NM_001404680.1); c.813A>T, p.Lys271Asn (NM_001254723.3); c.927A>T, p.Lys309Asn (NM_001404675.1, NM_206819.4); c.717A>T, p.Lys239Asn (NM_001404677.1, NM_001404679.1, NM_001404681.1); c.852A>T, p.Lys284Asn (NM_206820.4, NM_206821.4, NM_001254718.3 and 1 more transcripts); short protein forms K239N, K258N, K265N, K271N, K272N, K284N, K309N.
Identifiers: ClinVar variation 4072302 (VCV004072302.1).

ClinVar aggregate classification (germline): Uncertain significance (1 of 4 stars; one submission).

Conditions:
Arthrogryposis, distal, type 1B. Identifiers: Orphanet 1146, MedGen C3280526, MONDO:0013698, OMIM 614335.

Submission:

3billion
Classification: Uncertain significance for Arthrogryposis, distal, type 1B. Last evaluated: 2024-07-10. Review status: criteria provided, single submitter. Criteria: ACMG Guidelines, 2015. Collection method: clinical testing. Allele origin: germline. Affected: yes.
Comment: The variant is not observed in the gnomAD v4.0.0 dataset. Predicted Consequence/Location: The variant is located in a mutational hot spot and/or well-established functional domain in which established pathogenic variants have been reported (PMID: 25679999, 31264822). Missense changes are a common disease-causing mechanism. In silico tool predictions suggest damaging effect of the variant on gene or gene product [3Cnet: 0.67 (>=0.6, sensitivity 0.72 and precision 0.9)]. Therefore, this variant is classified as VUS according to the recommendation of ACMG/AMP guideline.

Literature cited by the submitters: PubMed 25679999; PubMed 31264822.